The following is an entry in ClinVar:

NM_000089.4(COL1A2):c.1036-14G>A

Gene: COL1A2 (collagen type I alpha 2 chain; plus strand). Cytogenetic location: 7q21.3.
Variant type: single nucleotide variant.
Coding change: c.1036-14G>A on transcript NM_000089.4 (MANE Select); 14 bases into the intron before coding-DNA position 1036, G replaced by A.
Molecular consequence: intron variant.
Genome position (GRCh38, 1-based): chr7:94,410,228, G>A. VCF-style: chr7-94410228-G-A. GRCh37 (hg19) VCF-style: chr7-94039540-G-A.
Identifiers: ClinVar variation 35932 (VCV000035932.27), dbSNP rs114322680, ClinGen allele CA260333.
Genomic context (GRCh38, chr7:94,410,228, plus strand): 5'-TTCTAAGAGATTTGTCTGCAAGAGAGTTTCAACAAATGTTTGTCCTTTGACCACTGTTCT[G>A]TATTGAACCCTAGGGTGAGCCTGGTCCAGCTGGCTCCAAAGGAGAGAGCGGTAACAAGGG-3'

ClinVar aggregate classification (germline): Benign/Likely benign. Review status: criteria provided, multiple submitters, no conflicts (2 of 4 stars). 10 submissions from 9 submitters: Benign (8); Likely benign (2). Last evaluated 2026-01-27.

Conditions:
Ehlers-Danlos syndrome, arthrochalasia type, 2. Also called: EHLERS-DANLOS SYNDROME, TYPE VIIB, AUTOSOMAL DOMINANT. Identifiers: MedGen CN293783, MONDO:0040501, OMIM 617821.
Ehlers-Danlos syndrome, classic type, 1 (EDSCL1). Also called: EHLERS-DANLOS SYNDROME, GRAVIS TYPE; EHLERS-DANLOS SYNDROME, SEVERE CLASSIC TYPE; EDS I; Ehlers-Danlos syndrome, type 1; Ehlers-Danlos Syndrome, Classic Type, COL5A1-Related. Identifiers: MedGen C0268335, MONDO:0019567, OMIM 130000.
Osteogenesis imperfecta type I (OI1). Also called: Classic Non-deforming Osteogenesis Imperfecta with Blue Sclerae; Lobstein disease; Lobstein's Disease; OI, TYPE I; OSTEOGENESIS IMPERFECTA TARDA; OSTEOGENESIS IMPERFECTA WITH BLUE SCLERAE. Identifiers: Orphanet 216796, Orphanet 666, MedGen C0023931, MONDO:0008146, OMIM 166200. Disease mechanism: loss of function.
Ehlers-Danlos syndrome, cardiac valvular type. Identifiers: Orphanet 230851, MedGen C4303789, MONDO:0009159, OMIM 225320.
Osteogenesis imperfecta with normal sclerae, dominant form (OI4). Also called: Common Variable Osteogenesis Imperfecta with Normal Sclerae; Osteogenesis Imperfecta Type IV; OSTEOGENESIS IMPERFECTA WITH NORMAL SCLERAE; OSTEOGENESIS IMPERFECTA, TYPE IV, WITH DENTINOGENESIS IMPERFECTA; Osteogenesis imperfecta type 4. Identifiers: Orphanet 216820, Orphanet 666, MedGen C0268363, MONDO:0008148, OMIM 166220.
Combined osteogenesis imperfecta and Ehlers-Danlos syndrome 2. Also called: OIEDS SYNDROME 2. Identifiers: MedGen C5436847, MONDO:0030855, OMIM 619120.
Osteoporosis. Identifiers: MedGen C0029456, MONDO:0005298, OMIM 166710, HP:0000939.
Osteogenesis imperfecta type III (OI3). Also called: Progressively Deforming Osteogenesis Imperfecta; Osteogenesis imperfecta type 3; OI type 3; Osteogenesis imperfecta, progressively deforming with normal sclerae; OI type III. Identifiers: Orphanet 216812, Orphanet 666, MedGen C0268362, MONDO:0009804, OMIM 259420.
Osteogenesis imperfecta, perinatal lethal (OI2). Also called: Osteogenesis imperfecta, dominant perinatal lethal; OSTEOGENESIS IMPERFECTA, TYPE II; Osteogenesis imperfecta type 2; OI, TYPE II; OSTEOGENESIS IMPERFECTA CONGENITA; VROLIK TYPE OF OSTEOGENESIS IMPERFECTA. Identifiers: Orphanet 216804, MedGen C0268358, MONDO:0008147, OMIM 166210.
Osteogenesis imperfecta (OI). Identifiers: Orphanet 666, MedGen C0029434, MeSH D010013, MONDO:0019019.

Allele frequency attached by ClinVar (database versions not stated): TOPMed 0.00406; ESP Exome Variant Server 0.00423; 1000 Genomes Project 0.00240; 1000 Genomes Project 30x 0.00281; gnomAD 0.00338.
gnomAD v4.1: 1,038 of 1,613,370 alleles (0.064%); highest among the groups gnomAD compares: African/African-American, 1.2%; 3 homozygotes.

Submissions (10):

Labcorp Genetics (formerly Invitae), Labcorp
Classification: Benign for Osteogenesis imperfecta type I; Ehlers-Danlos syndrome, classic type, 1. Last evaluated: 2026-01-27. Review status: criteria provided, single submitter. Criteria: Invitae Variant Classification Sherloc (09022015). Collection method: clinical testing. Allele origin: germline.

ARUP Laboratories, Molecular Genetics and Genomics, ARUP Laboratories
Classification: Benign. Last evaluated: 2025-01-06. Review status: criteria provided, single submitter. Criteria: ARUP Molecular Germline Variant Investigation Process 2024. Collection method: clinical testing. Allele origin: germline.

Blueprint Genetics
Classification: Likely benign. Last evaluated: 2024-11-06. Review status: criteria provided, single submitter. Criteria: ACMG Guidelines, 2015. Collection method: clinical testing. Allele origin: germline.

Fulgent Genetics
Classification: Likely benign for Osteogenesis imperfecta, perinatal lethal; Osteogenesis imperfecta with normal sclerae, dominant form; Osteoporosis; Ehlers-Danlos syndrome, cardiac valvular type; Osteogenesis imperfecta type III; Ehlers-Danlos syndrome, arthrochalasia type, 2; Combined osteogenesis imperfecta and Ehlers-Danlos syndrome 2. Last evaluated: 2021-08-18. Review status: criteria provided, single submitter. Criteria: ACMG Guidelines, 2015. Collection method: clinical testing. Allele origin: unknown.

Athena Diagnostics
Classification: Benign. Last evaluated: 2020-05-11. Review status: criteria provided, single submitter. Criteria: Athena Diagnostics Criteria. Collection method: clinical testing. Allele origin: unknown.

Women's Health and Genetics/Laboratory Corporation of America, LabCorp
Classification: Benign. Last evaluated: 2018-09-06. Review status: criteria provided, single submitter. Criteria: LabCorp Variant Classification Summary - May 2015. Collection method: clinical testing. Allele origin: germline.
Comment: Variant summary: COL1A2 c.1036-14G>A alters a non-conserved nucleotide located close to a canonical splice site and therefore could affect mRNA splicing, leading to a significantly altered protein sequence. 5/5 computational tools predict no significant impact on normal splicing. However, these predictions have yet to be confirmed by functional studies. The variant allele was found at a frequency of 0.0011 in 277092 control chromosomes, predominantly at a frequency of 0.012 within the African subpopulation in the gnomAD database. The observed variant frequency within African control individuals in the gnomAD database is approximately 426.66 fold of the estimated maximal expected allele frequency for a pathogenic variant in COL1A2 causing Osteogenesis Imperfecta phenotype (2.8e-05), strongly suggesting that the variant is a benign polymorphism found primarily in populations of African origin. To our knowledge, no occurrence of c.1036-14G>A in individuals affected with Osteogenesis Imperfecta and no experimental evidence demonstrating its impact on protein function have been reported. Two clinical diagnostic laboratories have submitted clinical-significance assessments for this variant to ClinVar after 2014 without evidence for independent evaluation. All laboratories classified the variant as benign/likely benign. Based on the evidence outlined above, the variant was classified as benign.

Illumina Laboratory Services, Illumina
Classification: Benign for Osteogenesis imperfecta. Last evaluated: 2018-01-13. Review status: criteria provided, single submitter. Criteria: ICSL Variant Classification Criteria 13 December 2019. Collection method: clinical testing. Allele origin: germline.
Comment: This variant was observed in the ICSL laboratory as part of a predisposition screen in an ostensibly healthy population. It had not been previously curated by ICSL or reported in the Human Gene Mutation Database (HGMD: prior to June 1st, 2018), and was therefore a candidate for classification through an automated scoring system. Utilizing variant allele frequency, disease prevalence and penetrance estimates, and inheritance mode, an automated score was calculated to assess if this variant is too frequent to cause the disease. Based on the score and internal cut-off values, a variant classified as benign is not then subjected to further curation. The score for this variant resulted in a classification of benign for this disease.

Illumina Laboratory Services, Illumina
Classification: Benign for Ehlers-Danlos syndrome, arthrochalasia type, 2. Last evaluated: 2018-01-13. Review status: criteria provided, single submitter. Criteria: ICSL Variant Classification Criteria 13 December 2019. Collection method: clinical testing. Allele origin: germline.
Comment: the same text as in the submission from Illumina Laboratory Services, Illumina above.

GeneDx
Classification: Benign. Last evaluated: 2017-01-17. Review status: criteria provided, single submitter. Criteria: GeneDx Variant Classification (06012015). Collection method: clinical testing. Allele origin: germline. Affected: yes.
Comment: This variant is considered likely benign or benign based on one or more of the following criteria: it is a conservative change, it occurs at a poorly conserved position in the protein, it is predicted to be benign by multiple in silico algorithms, and/or has population frequency not consistent with disease.

Breakthrough Genomics
Classification: Benign. Review status: criteria provided, single submitter. Criteria: ACMG Guidelines, 2015. Collection method: not provided. Allele origin: germline. Inheritance: Autosomal recessive inheritance. Affected: yes.